The following is an entry in ClinVar:

ClinVar aggregate classification (germline): Uncertain significance (1 of 4 stars; one submission).

Conditions:
Familial cold autoinflammatory syndrome 3 (FCAS3). Also called: FAMILIAL ATYPICAL COLD URTICARIA; ANTIBODY DEFICIENCY AND IMMUNE DYSREGULATION, PLCG2-ASSOCIATED. Identifiers: Orphanet 300359, MedGen C3280914, MONDO:0013766, OMIM 614468.

gnomAD v4.1: 6 of 1,614,096 alleles (0.00037%); highest among the groups gnomAD compares: East Asian, 0.0022%; no homozygotes.

Submission:

Labcorp Genetics (formerly Invitae), Labcorp
Classification: Uncertain significance for Familial cold autoinflammatory syndrome 3. Last evaluated: 2025-10-06. Review status: criteria provided, single submitter. Criteria: Invitae Variant Classification Sherloc (09022015). Collection method: clinical testing. Allele origin: germline.
Comment: This sequence change replaces leucine, which is neutral and non-polar, with valine, which is neutral and non-polar, at codon 1063 of the PLCG2 protein (p.Leu1063Val). This variant is not present in population databases (gnomAD no frequency). This variant has not been reported in the literature in individuals affected with PLCG2-related conditions. An algorithm developed to predict the effect of missense changes on protein structure and function outputs the following: PolyPhen-2: "Benign". The valine amino acid residue is found in multiple mammalian species, which suggests that this missense change does not adversely affect protein function. In summary, the available evidence is currently insufficient to determine the role of this variant in disease. Therefore, it has been classified as a Variant of Uncertain Significance.

NM_002661.5(PLCG2):c.3187C>G (p.Leu1063Val)

Gene: PLCG2 (phospholipase C gamma 2; plus strand). Cytogenetic location: 16q23.3.
Variant type: single nucleotide variant.
Coding change: c.3187C>G on transcript NM_002661.5 (MANE Select); coding-DNA position 3187, C replaced by G.
Protein change: p.Leu1063Val; replaces leucine 1063 with valine.
Molecular consequence: missense variant.
Genome position (GRCh38, 1-based): chr16:81,937,892, C>G. VCF-style: chr16-81937892-C-G. GRCh37 (hg19) VCF-style: chr16-81971497-C-G.
Other names: c.3187C>G, p.Leu1063Val (NM_001425749.1, NM_001425750.1, NM_001425751.1); short protein forms L1063V.
Identifiers: ClinVar variation 4760278 (VCV004760278.1).